The following is an entry in ClinVar:

ClinVar aggregate classification (germline): Benign. Review status: criteria provided, multiple submitters, no conflicts (2 of 4 stars). 2 submissions from 2 submitters: Benign (2). Last evaluated 2018-01-13.

Conditions:
Immunodeficiency 104. Also called: SCID, AUTOSOMAL RECESSIVE, T CELL-NEGATIVE, B CELL-POSITIVE, NK CELL-POSITIVE; Severe Combined Immune Deficiency, Autosomal Recessive, TCell -Negative, B Cell-Positive, NK Cell-Positive, IL7R-Related; Severe combined immunodeficiency, autosomal recessive, T cell-negative, B cell-positive, NK cell-positive; IMMUNODEFICIENCY 104, SEVERE COMBINED. Identifiers: MedGen C5676890, MONDO:0012163, OMIM 608971.

Allele frequency attached by ClinVar (database versions not stated): 1000 Genomes Project 0.12859; 1000 Genomes Project 30x 0.12898; gnomAD 0.13075 and 0.13252; gnomAD exomes 0.13287; TOPMed 0.13890.
gnomAD v4.1: 30,748 of 232,966 alleles (13%); highest among the groups gnomAD compares: Admixed American, 15%; 2,066 homozygotes.

Submissions (2):

Illumina Laboratory Services, Illumina
Classification: Benign for Immunodeficiency 104. Last evaluated: 2018-01-13. Review status: criteria provided, single submitter. Criteria: ICSL Variant Classification Criteria 13 December 2019. Collection method: clinical testing. Allele origin: germline.
Comment: This variant was observed in the ICSL laboratory as part of a predisposition screen in an ostensibly healthy population. It had not been previously curated by ICSL or reported in the Human Gene Mutation Database (HGMD: prior to June 1st, 2018), and was therefore a candidate for classification through an automated scoring system. Utilizing variant allele frequency, disease prevalence and penetrance estimates, and inheritance mode, an automated score was calculated to assess if this variant is too frequent to cause the disease. Based on the score and internal cut-off values, a variant classified as benign is not then subjected to further curation. The score for this variant resulted in a classification of benign for this disease.

Breakthrough Genomics
Classification: Benign. Review status: criteria provided, single submitter. Criteria: ACMG Guidelines, 2015. Collection method: not provided. Allele origin: germline. Inheritance: Autosomal recessive inheritance. Affected: yes.

NM_002185.5(IL7R):c.*1924G>A

Gene: IL7R (interleukin 7 receptor; plus strand). Cytogenetic location: 5p13.2.
Variant type: single nucleotide variant.
Coding change: c.*1924G>A on transcript NM_002185.5 (MANE Select); 1924 bases downstream of the stop codon, G replaced by A.
Molecular consequence: 3 prime UTR variant. On other transcripts: non-coding transcript variant (1).
Genome position (GRCh38, 1-based): chr5:35,878,410, G>A. VCF-style: chr5-35878410-G-A. GRCh37 (hg19) VCF-style: chr5-35878512-G-A.
Identifiers: ClinVar variation 353301 (VCV000353301.6), dbSNP rs9292618, ClinGen allele CA10624388.
Genomic context (GRCh38, chr5:35,878,410, plus strand): 5'-CAGGGGACCTAAAGACACATAAAAGGATGGCATTCTGCCTCATAAATTGCAAAACCTAAT[G>A]AAAGTGACTGCTTGGTAAACAAATTATTATTATATTATAAAATGCTATAAAAGAGCCATA-3'